The following is an entry in ClinVar:

ClinVar aggregate classification (germline): Benign/Likely benign. Review status: criteria provided, multiple submitters, no conflicts (2 of 4 stars). 2 submissions from 2 submitters: Benign (1); Likely benign (1). Last evaluated 2025-08-10.

Allele frequency attached by ClinVar (database versions not stated): gnomAD exomes 0.00019 and 0.00056; ExAC 0.00077; 1000 Genomes Project 30x 0.00203; gnomAD 0.00212 and 0.00232; TOPMed 0.00230; 1000 Genomes Project 0.00240; ESP Exome Variant Server 0.00246.
gnomAD v4.1: 628 of 1,613,656 alleles (0.039%); highest among the groups gnomAD compares: African/African-American, 0.73%; 3 homozygotes.

Submissions (2):

Labcorp Genetics (formerly Invitae), Labcorp
Classification: Benign. Last evaluated: 2025-08-10. Review status: criteria provided, single submitter. Criteria: Invitae Variant Classification Sherloc (09022015). Collection method: clinical testing. Allele origin: germline.

CeGaT Center for Human Genetics Tuebingen
Classification: Likely benign. Last evaluated: 2022-07-01. Review status: criteria provided, single submitter. Criteria: CeGaT Center For Human Genetics Tuebingen Variant Classification Criteria Version 2. Collection method: clinical testing. Allele origin: germline. Affected: yes. Observed: 1 variant allele.
Comment: ALAD: BP4, BP7

NM_000031.6(ALAD):c.360T>C (p.Asp120=)

Gene: ALAD (aminolevulinate dehydratase; minus strand). Cytogenetic location: 9q32.
Variant type: single nucleotide variant.
Coding change: c.360T>C on transcript NM_000031.6 (MANE Select); coding-DNA position 360, T replaced by C.
Protein change: p.Asp120=; no amino-acid change (aspartic acid 120 retained).
Molecular consequence: synonymous variant.
Genome position (GRCh38, 1-based): chr9:113,390,835, A>G on the plus strand (T>C on the coding strand, the complement: ALAD is on the minus strand). VCF-style: chr9-113390835-A-G. GRCh37 (hg19) VCF-style: chr9-116153115-A-G.
Other names: c.447T>C, p.Asp149= (NM_001003945.3); c.336T>C, p.Asp112= (NM_001317745.2).
Identifiers: ClinVar variation 738642 (VCV000738642.34), dbSNP rs34911357, ClinGen allele CA5196521.